The following is an entry in ClinVar:

ClinVar aggregate classification (germline): Uncertain significance. Review status: criteria provided, multiple submitters, no conflicts (2 of 4 stars). 3 submissions from 3 submitters: Uncertain significance (3). Last evaluated 2026-07-19.

Conditions:
Inborn genetic diseases. Identifiers: MedGen C0950123, MeSH D030342.
ATP1A3-related disorder. Also called: ATP1A3-related disorders; ATP1A3-related condition. Identifiers: MedGen CN381097.
Dystonia 12 (DYT12). Also called: Rapid-Onset Dystonia-Parkinsonism (RDP); DYT-ATP1A3. Identifiers: Orphanet 71517, MedGen C1868681, MONDO:0007496, OMIM 128235.

Allele frequency attached by ClinVar (database versions not stated): gnomAD exomes below 0.00001; ExAC 0.00001; gnomAD 0.00001; TOPMed 0.00001; 1000 Genomes Project 0.00020; 1000 Genomes Project 30x 0.00031.
gnomAD v4.1: 8 of 1,614,146 alleles (0.0005%); highest among the groups gnomAD compares: Admixed American, 0.012%; no homozygotes.

Submissions (3):

PreventionGenetics, part of Exact Sciences
Classification: Uncertain significance for ATP1A3-related condition. Last evaluated: 2026-07-19. Review status: criteria provided, single submitter. Criteria: ACMG Guidelines, 2015. Collection method: clinical testing. Allele origin: germline.
Comment: The ATP1A3 c.85G>A variant is predicted to result in the amino acid substitution p.Gly29Ser. This variant has been reported in a patient with Brugada syndrome (described as p.Gly16Ser, Moya-Mendez et al. 2021. PubMed ID: 34459253) and in a cohort of patients with Parkinson's disease (Table S3, Lorenzo-Betancor et al. 2024. PubMed ID: 39051491). This variant has not been reported in a large population database (gnomAD), indicating this variant is rare. At this time, the clinical significance of this variant is uncertain due to the absence of conclusive functional and genetic evidence.

Labcorp Genetics (formerly Invitae), Labcorp
Classification: Uncertain significance for Dystonia 12. Last evaluated: 2025-11-30. Review status: criteria provided, single submitter. Criteria: Invitae Variant Classification Sherloc (09022015). Collection method: clinical testing. Allele origin: germline.
Comment: This sequence change replaces glycine, which is neutral and non-polar, with serine, which is neutral and polar, at codon 16 of the ATP1A3 protein (p.Gly16Ser). This variant is present in population databases (rs559227917, gnomAD 0.003%). This missense change has been observed in individual(s) with alternating hemiplegia of childhood and/or ATP1A3-related conditions (PMID: 34459253, 39051491). ClinVar contains an entry for this variant (Variation ID: 1063941). Invitae Evidence Modeling of protein sequence and biophysical properties (such as structural, functional, and spatial information, amino acid conservation, physicochemical variation, residue mobility, and thermodynamic stability) has been performed for this missense variant. However, the output from this modeling did not meet the statistical confidence thresholds required to predict the impact of this variant on ATP1A3 protein function. In summary, the available evidence is currently insufficient to determine the role of this variant in disease. Therefore, it has been classified as a Variant of Uncertain Significance.

Ambry Genetics
Classification: Uncertain significance for Inborn genetic diseases. Last evaluated: 2021-03-30. Review status: criteria provided, single submitter. Criteria: Ambry Variant Classification Scheme 2023. Collection method: clinical testing. Allele origin: germline.

Literature cited by the submitters: PubMed 34459253 (cited by Labcorp Genetics (formerly Invitae), Labcorp); PubMed 39051491 (cited by Labcorp Genetics (formerly Invitae), Labcorp).

NM_152296.5(ATP1A3):c.46G>A (p.Gly16Ser)

Gene: ATP1A3 (ATPase Na+/K+ transporting subunit alpha 3; minus strand). Cytogenetic location: 19q13.2.
Variant type: single nucleotide variant.
Coding change: c.46G>A on transcript NM_152296.5 (MANE Select); coding-DNA position 46, G replaced by A.
Protein change: p.Gly16Ser; replaces glycine 16 with serine.
Molecular consequence: missense variant.
Genome position (GRCh38, 1-based): chr19:41,988,523, C>T on the plus strand (G>A on the coding strand, the complement: ATP1A3 is on the minus strand). VCF-style: chr19-41988523-C-T. GRCh37 (hg19) VCF-style: chr19-42492675-C-T.
Other names: c.46G>A (NM_152296.3); c.79G>A, p.Gly27Ser (NM_001256213.2); c.85G>A, p.Gly29Ser (NM_001256214.2); c.85G>A (NM_001256214.1); short protein forms G16S, G27S, G29S.
Identifiers: ClinVar variation 1063941 (VCV001063941.8), dbSNP rs559227917, ClinGen allele CA9467979.